The following is an entry in ClinVar:

NM_001130987.2(DYSF):c.5144C>A (p.Ala1715Asp)

Gene: DYSF (dysferlin; plus strand). Cytogenetic location: 2p13.2.
Variant type: single nucleotide variant.
Coding change: c.5144C>A on transcript NM_001130987.2 (MANE Select); coding-DNA position 5144, C replaced by A.
Protein change: p.Ala1715Asp; replaces alanine 1715 with aspartic acid.
Molecular consequence: missense variant.
Genome position (GRCh38, 1-based): chr2:71,664,408, C>A. VCF-style: chr2-71664408-C-A. GRCh37 (hg19) VCF-style: chr2-71891538-C-A.
Other names: c.5030C>A, p.Ala1677Asp (NM_001130455.2); c.4985C>A, p.Ala1662Asp (NM_001130976.2); c.5048C>A, p.Ala1683Asp (NM_001130977.2); c.5090C>A, p.Ala1697Asp (NM_001130978.2); c.5120C>A, p.Ala1707Asp (NM_001130979.2); c.5078C>A, p.Ala1693Asp (NM_001130980.2); c.5141C>A, p.Ala1714Asp (NM_001130981.2); c.5123C>A, p.Ala1708Asp (NM_001130982.2); and 5 more; short protein forms A1676D, A1715D, A1684D, A1694D, A1697D, A1698D, A1707D, A1663D.
Identifiers: ClinVar variation 498338 (VCV000498338.10), dbSNP rs761625265, ClinGen allele CA1707254.
Genomic context (GRCh38, chr2:71,664,408, plus strand): 5'-ACGAAAAGATCGGTGAGACGGTCGTCGACCTGGAGAACAGGCTGCTGTCCAAGTTTGGGG[C>A]TCGCTGTGGACTCCCACAGACCTACTGTGTGTACGTGGATGGGGGCTGGCTGCCTGCTTC-3'
Protein context (NP_001124459.1, residues 1705-1725): LENRLLSKFG[Ala1715Asp]RCGLPQTYCV

ClinVar aggregate classification (germline): Uncertain significance. Review status: criteria provided, multiple submitters, no conflicts (2 of 4 stars). 3 submissions from 3 submitters: Uncertain significance (3). Last evaluated 2024-07-10.

Conditions:
Neuromuscular disease caused by qualitative or quantitative defects of dysferlin. Also called: Dysferlinopathy; Qualitative or quantitative defects of dysferlin. Identifiers: Orphanet 207073, MedGen C2931687, MONDO:0016145.

Allele frequency attached by ClinVar (database versions not stated): gnomAD exomes below 0.00001; ExAC 0.00001.
gnomAD v4.1: 1 of 1,614,224 alleles (0.000062%); highest among the groups gnomAD compares: Admixed American, 0.0017%; no homozygotes.

Submissions (3):

Revvity Omics, Revvity
Classification: Uncertain significance. Last evaluated: 2024-07-10. Review status: criteria provided, single submitter. Criteria: ACMG Guidelines, 2015. Collection method: clinical testing. Allele origin: germline.

Labcorp Genetics (formerly Invitae), Labcorp
Classification: Uncertain significance for Neuromuscular disease caused by qualitative or quantitative defects of dysferlin. Last evaluated: 2022-04-25. Review status: criteria provided, single submitter. Criteria: Invitae Variant Classification Sherloc (09022015). Collection method: clinical testing. Allele origin: germline.
Comment: In summary, the available evidence is currently insufficient to determine the role of this variant in disease. Therefore, it has been classified as a Variant of Uncertain Significance. Algorithms developed to predict the effect of missense changes on protein structure and function (SIFT, PolyPhen-2, Align-GVGD) all suggest that this variant is likely to be disruptive. ClinVar contains an entry for this variant (Variation ID: 498338). This missense change has been observed in individual(s) with DYSF-related conditions (Invitae). In at least one individual the data is consistent with being in trans (on the opposite chromosome) from a pathogenic variant. This variant is present in population databases (rs761625265, gnomAD 0.003%). This sequence change replaces alanine, which is neutral and non-polar, with aspartic acid, which is acidic and polar, at codon 1676 of the DYSF protein (p.Ala1676Asp).

Eurofins Ntd Llc (ga)
Classification: Uncertain significance. Last evaluated: 2016-12-13. Review status: criteria provided, single submitter. Criteria: EGL Classification Definitions 2015. Collection method: clinical testing. Allele origin: germline. Observed: 1 variant allele, 1 homozygote.